The following is an entry in ClinVar:

ClinVar aggregate classification (germline): Uncertain significance (1 of 4 stars; one submission).

Submission:

Labcorp Genetics (formerly Invitae), Labcorp
Classification: Uncertain significance. Last evaluated: 2021-05-28. Review status: criteria provided, single submitter. Criteria: Invitae Variant Classification Sherloc (09022015). Collection method: clinical testing. Allele origin: germline.
Comment: In summary, the available evidence is currently insufficient to determine the role of this variant in disease. Therefore, it has been classified as a Variant of Uncertain Significance. Algorithms developed to predict the effect of missense changes on protein structure and function are either unavailable or do not agree on the potential impact of this missense change (SIFT: "Deleterious"; PolyPhen-2: "Probably Damaging"; Align-GVGD: "Class C0"). This variant has not been reported in the literature in individuals with POLE-related conditions. This variant is not present in population databases (ExAC no frequency). This sequence change replaces aspartic acid with asparagine at codon 414 of the POLE protein (p.Asp414Asn). The aspartic acid residue is highly conserved and there is a small physicochemical difference between aspartic acid and asparagine.

NM_006231.4(POLE):c.1240G>A (p.Asp414Asn)

Gene: POLE (DNA polymerase epsilon, catalytic subunit; minus strand). Cytogenetic location: 12q24.33.
Variant type: single nucleotide variant.
Coding change: c.1240G>A on transcript NM_006231.4 (MANE Select); coding-DNA position 1240, G replaced by A.
Protein change: p.Asp414Asn; replaces aspartic acid 414 with asparagine.
Molecular consequence: missense variant.
Genome position (GRCh38, 1-based): chr12:132,673,694, C>T on the plus strand (G>A on the coding strand, the complement: POLE is on the minus strand). VCF-style: chr12-132673694-C-T. GRCh37 (hg19) VCF-style: chr12-133250280-C-T.
Other names: short protein forms D414N.
Identifiers: ClinVar variation 1356944 (VCV001356944.8), dbSNP rs2136000767, ClinGen allele CA387359708.
Genomic context (GRCh38, chr12:132,673,694, plus strand): 5'-AGCCTAGCTTGGCCTTGGCGGCCGCCTTGAGATTATGACTGCCCACAGGAAGGTAACTGT[C>T]CCTCTTCACCCACCTGGAAGGAGAATGAGAACAGAAGCCAGGATGATTCTAACATGCAGC-3'
Protein context (NP_006222.2, residues 404-424): HMDCLRWVKR[Asp414Asn]SYLPVGSHNL